The following is an entry in ClinVar:

ClinVar aggregate classification (germline): Uncertain significance. Review status: criteria provided, multiple submitters, no conflicts (2 of 4 stars). 3 submissions from 3 submitters: Uncertain significance (3). Last evaluated 2025-08-28.

Conditions:
Retinitis pigmentosa 12 (RP12). Also called: RP WITH OR WITHOUT PPRPE; RP WITH OR WITHOUT PRESERVED PARAARTERIOLE RETINAL PIGMENT EPITHELIUM; RETINITIS PIGMENTOSA WITH OR WITHOUT PARAARTERIOLAR PRESERVATION OF RETINAL PIGMENT EPITHELIUM. Identifiers: Orphanet 791, MedGen C1838647, MONDO:0010818, OMIM 600105.
Leber congenital amaurosis 8 (LCA8). Identifiers: Orphanet 65, MedGen C3151202, MONDO:0013453, OMIM 613835.
Inborn genetic diseases. Identifiers: MedGen C0950123, MeSH D030342.

Allele frequency attached by ClinVar (database versions not stated): TOPMed below 0.00001; gnomAD 0.00001; ExAC 0.00002; gnomAD exomes 0.00002.
gnomAD v4.1: 24 of 1,613,980 alleles (0.0015%); highest among the groups gnomAD compares: Non-Finnish European, 0.0019%; no homozygotes.

Submissions (3):

Ambry Genetics
Classification: Uncertain significance for Inborn genetic diseases. Last evaluated: 2025-08-28. Review status: criteria provided, single submitter. Criteria: Ambry Variant Classification Scheme 2023. Collection method: clinical testing. Allele origin: germline.

Blueprint Genetics
Classification: Uncertain significance. Last evaluated: 2024-10-23. Review status: criteria provided, single submitter. Criteria: ACMG Guidelines, 2015. Collection method: clinical testing. Allele origin: germline.

Labcorp Genetics (formerly Invitae), Labcorp
Classification: Uncertain significance for Leber congenital amaurosis 8; Retinitis pigmentosa 12. Last evaluated: 2021-12-08. Review status: criteria provided, single submitter. Criteria: Invitae Variant Classification Sherloc (09022015). Collection method: clinical testing. Allele origin: germline.
Comment: This sequence change replaces glycine, which is neutral and non-polar, with tryptophan, which is neutral and slightly polar, at codon 160 of the CRB1 protein (p.Gly160Trp). This variant is present in population databases (rs775654763, gnomAD 0.003%). This variant has not been reported in the literature in individuals affected with CRB1-related conditions. Advanced modeling of protein sequence and biophysical properties (such as structural, functional, and spatial information, amino acid conservation, physicochemical variation, residue mobility, and thermodynamic stability) performed at Invitae indicates that this missense variant is expected to disrupt CRB1 protein function. In summary, the available evidence is currently insufficient to determine the role of this variant in disease. Therefore, it has been classified as a Variant of Uncertain Significance.

NM_201253.3(CRB1):c.478G>T (p.Gly160Trp)

Gene: CRB1 (crumbs cell polarity complex component 1; plus strand). Cytogenetic location: 1q31.3.
Variant type: single nucleotide variant.
Coding change: c.478G>T on transcript NM_201253.3 (MANE Select); coding-DNA position 478, G replaced by T.
Protein change: p.Gly160Trp; replaces glycine 160 with tryptophan.
Molecular consequence: missense variant. On other transcripts: non-coding transcript variant (2).
Genome position (GRCh38, 1-based): chr1:197,328,829, G>T. VCF-style: chr1-197328829-G-T. GRCh37 (hg19) VCF-style: chr1-197297959-G-T.
Other names: c.478G>T (NM_201253.2); c.478G>T, p.Gly160Trp (NM_001193640.2, NM_001257966.2); c.271G>T, p.Gly91Trp (NM_001257965.2); short protein forms G160W, G91W.
Identifiers: ClinVar variation 2202104 (VCV002202104.3), dbSNP rs775654763, ClinGen allele CA1311636.
Genomic context (GRCh38, chr1:197,328,829, plus strand): 5'-TATGCTGGAAGATTCTGTGAGATAGATCACGATGAGTGTGCTTCCAGCCCTTGCCAAAAT[G>T]GGGCCGTGTGCCAGGATGGAATTGATGGTTACTCCTGCTTCTGTGTCCCAGGATATCAAG-3'
Protein context (NP_957705.1, residues 150-170): DECASSPCQN[Gly160Trp]AVCQDGIDGY